The following is an entry in ClinVar:

ClinVar aggregate classification (germline): Uncertain significance (1 of 4 stars; one submission).

Conditions:
Werner syndrome (WRN). Identifiers: Orphanet 902, MedGen C0043119, MONDO:0010196, OMIM 277700.

Submission:

Labcorp Genetics (formerly Invitae), Labcorp
Classification: Uncertain significance for Werner syndrome. Last evaluated: 2023-06-15. Review status: criteria provided, single submitter. Criteria: Invitae Variant Classification Sherloc (09022015). Collection method: clinical testing. Allele origin: germline.
Comment: This sequence change replaces proline, which is neutral and non-polar, with alanine, which is neutral and non-polar, at codon 1175 of the WRN protein (p.Pro1175Ala). This variant is not present in population databases (gnomAD no frequency). This variant has not been reported in the literature in individuals affected with WRN-related conditions. ClinVar contains an entry for this variant (Variation ID: 1719993). An algorithm developed to predict the effect of missense changes on protein structure and function (PolyPhen-2) suggests that this variant is likely to be disruptive. In summary, the available evidence is currently insufficient to determine the role of this variant in disease. Therefore, it has been classified as a Variant of Uncertain Significance.

NM_000553.6(WRN):c.3523C>G (p.Pro1175Ala)

Gene: WRN (WRN RecQ like helicase; plus strand). Cytogenetic location: 8p12.
Variant type: single nucleotide variant.
Coding change: c.3523C>G on transcript NM_000553.6 (MANE Select); coding-DNA position 3523, C replaced by G.
Protein change: p.Pro1175Ala; replaces proline 1175 with alanine.
Molecular consequence: missense variant.
Genome position (GRCh38, 1-based): chr8:31,147,427, C>G. VCF-style: chr8-31147427-C-G. GRCh37 (hg19) VCF-style: chr8-31004943-C-G.
Other names: short protein forms P1175A.
Identifiers: ClinVar variation 1719993 (VCV001719993.5), dbSNP rs768430448, ClinGen allele CA370925894.